The following is an entry in ClinVar:

NM_000273.3(GPR143):c.885+748G>A

Gene: GPR143 (G protein-coupled receptor 143; minus strand). Cytogenetic location: Xp22.2.
Variant type: single nucleotide variant.
Coding change: c.885+748G>A on transcript NM_000273.3 (MANE Select); 748 bases into the intron after coding-DNA position 885, G replaced by A.
Molecular consequence: intron variant.
Genome position (GRCh38, 1-based): chrX:9,740,590, C>T on the plus strand (G>A on the coding strand, the complement: GPR143 is on the minus strand). VCF-style: chrX-9740590-C-T. GRCh37 (hg19) VCF-style: chrX-9708630-C-T.
Identifiers: ClinVar variation 1408135 (VCV001408135.13), dbSNP rs1251267106, ClinGen allele CA880029528.

ClinVar aggregate classification (germline): Pathogenic. Review status: criteria provided, multiple submitters, no conflicts (2 of 4 stars). 4 submissions from 4 submitters: Pathogenic (4). Last evaluated 2025-01-19.

Conditions:
Ocular albinism, type I (OA1). Also called: Ocular albinism, type I, Nettleship-Falls type; Ocular Albinism type 1; X-linked recessive ocular albinism; NETTLESHIP-FALLS TYPE OCULAR ALBINISM. Identifiers: Orphanet 54, MedGen C0342684, MONDO:0021019, OMIM 300500.
Nystagmus 6, congenital, X-linked (NYS6). Identifiers: MedGen C3151752, MONDO:0010435, OMIM 300814.

Allele frequency attached by ClinVar (database versions not stated): TOPMed below 0.00001.

Submissions (4):

Labcorp Genetics (formerly Invitae), Labcorp
Classification: Pathogenic. Last evaluated: 2025-01-19. Review status: criteria provided, single submitter. Criteria: Invitae Variant Classification Sherloc (09022015). Collection method: clinical testing. Allele origin: germline.
Comment: This sequence change falls in intron 7 of the GPR143 gene. It does not directly change the encoded amino acid sequence of the GPR143 protein. RNA analysis indicates that this variant induces altered splicing and may result in an absent or altered protein product. The frequency data for this variant in the population databases is considered unreliable, as metrics indicate insufficient coverage at this position in the gnomAD database. This variant has been observed in individuals with ocular albinism (PMID: 16550551, 28771251; internal data). This variant is also known as g.25288G>A. ClinVar contains an entry for this variant (Variation ID: 1408135). Studies have shown that this variant results in retention of an intron 7 fragment, and produces a non-functional protein and/or introduces a premature termination codon (PMID: 16550551). For these reasons, this variant has been classified as Pathogenic.

GeneDx
Classification: Pathogenic. Last evaluated: 2025-01-08. Review status: criteria provided, single submitter. Criteria: GeneDx Variant Classification Process June 2021. Collection method: clinical testing. Allele origin: germline.
Comment: Non-canonical splice site variant demonstrated to result in loss of function (PMID: 16550551); No data available from control populations to assess the frequency of this variant; This variant is associated with the following publications: (PMID: 28771251, 19823873, 16550551)

3billion
Classification: Pathogenic for Ocular albinism, type I. Last evaluated: 2024-11-28. Review status: criteria provided, single submitter. Criteria: ACMG Guidelines, 2015. Collection method: clinical testing. Allele origin: germline. Affected: yes.
Comment: The variant is not observed in the gnomAD v4.1.0 dataset. Predicted Consequence/Location: Intron variant: previously reported to alter splicing and result in a loss of normal protein function through nonsense-mediated decay (NMD) or protein truncation (PMID: 16550551). In silico tools predict the variant to alter splicing and produce an abnormal transcript [SpliceAI: 0.63 (spliceogenicity >=0.2, non-spliceogenicity <0.1)]. There is a report showing that the variant results in intron 7 retention and premature termination (PMID: 16550551). Intron variant: previously reported to alter splicing and result in a loss of normal protein function through nonsense-mediated decay (NMD) or protein truncation (PMID: 16550551). Therefore, this variant is classified as Pathogenic according to the recommendation of ACMG/AMP guideline.

Juno Genomics, Hangzhou Juno Genomics, Inc
Classification: Pathogenic for Nystagmus 6, congenital, X-linked; Ocular albinism, type I. Review status: criteria provided, single submitter. Criteria: ACMG Guidelines, 2015. Collection method: clinical testing. Allele origin: germline.
Comment: Absent from controls (or at extremely low frequency if recessive) in Genome Aggregation Database.;Null variant in a gene where loss of function (LOF) is a known mechanism of disease.;The prevalence of the variant in affected individuals is significantly increased compared to the prevalence in controls.

Literature cited by the submitters: PubMed 16550551 (cited by Labcorp Genetics (formerly Invitae), Labcorp and 3billion); PubMed 28771251 (cited by Labcorp Genetics (formerly Invitae), Labcorp).